The following is an entry in ClinVar:

NM_024675.4(PALB2):c.2020G>A (p.Asp674Asn)

Gene: PALB2 (partner and localizer of BRCA2; minus strand). Cytogenetic location: 16p12.2.
Variant type: single nucleotide variant.
Coding change: c.2020G>A on transcript NM_024675.4 (MANE Select); coding-DNA position 2020, G replaced by A.
Protein change: p.Asp674Asn; replaces aspartic acid 674 with asparagine.
Molecular consequence: missense variant.
Genome position (GRCh38, 1-based): chr16:23,630,134, C>T on the plus strand (G>A on the coding strand, the complement: PALB2 is on the minus strand). VCF-style: chr16-23630134-C-T. GRCh37 (hg19) VCF-style: chr16-23641455-C-T.
Other names: p.D674N:GAC>AAC; short protein forms D674N.
Identifiers: ClinVar variation 182763 (VCV000182763.26), dbSNP rs730881885, ClinGen allele CA299716.

ClinVar aggregate classification (germline): Conflicting classifications of pathogenicity. Review status: criteria provided, conflicting classifications (1 of 4 stars). 6 submissions from 6 submitters: Uncertain significance (4); Likely benign (2). Last evaluated 2024-09-18.

Conditions:
Hereditary cancer-predisposing syndrome. Also called: Tumor predisposition; Hereditary Cancer Syndrome; Hereditary neoplastic syndrome; Neoplastic Syndromes, Hereditary. Identifiers: Orphanet 140162, MedGen C0027672, MeSH D009386, MONDO:0015356.
Familial cancer of breast. Also called: BREAST CANCER, FAMILIAL; hereditary breast carcinoma; Hereditary breast cancer. Identifiers: Orphanet 227535, MedGen C0346153, MONDO:0016419, OMIM 114480. Disease mechanism: loss of function.
Pancreatic cancer, susceptibility to, 3. Identifiers: Orphanet 1333, MedGen C3150547, MONDO:0013236, OMIM 613348.
Fanconi anemia complementation group N. Also called: PALB2-Related Fanconi Anemia. Identifiers: Orphanet 84, MedGen C1835817, MONDO:0012565, OMIM 610832. Disease mechanism: loss of function.

Allele frequency attached by ClinVar (database versions not stated): gnomAD exomes 0.00001; ExAC 0.00002; TOPMed 0.00002.
gnomAD v4.1: 4 of 1,614,090 alleles (0.00025%); highest among the groups gnomAD compares: Admixed American, 0.005%; no homozygotes.

Submissions (6):

Labcorp Genetics (formerly Invitae), Labcorp
Classification: Uncertain significance for Familial cancer of breast. Last evaluated: 2024-09-18. Review status: criteria provided, single submitter. Criteria: Invitae Variant Classification Sherloc (09022015). Collection method: clinical testing. Allele origin: germline.
Comment: This sequence change replaces aspartic acid, which is acidic and polar, with asparagine, which is neutral and polar, at codon 674 of the PALB2 protein (p.Asp674Asn). This variant is present in population databases (rs730881885, gnomAD 0.009%). This variant has not been reported in the literature in individuals affected with PALB2-related conditions. ClinVar contains an entry for this variant (Variation ID: 182763). Invitae Evidence Modeling of protein sequence and biophysical properties (such as structural, functional, and spatial information, amino acid conservation, physicochemical variation, residue mobility, and thermodynamic stability) indicates that this missense variant is not expected to disrupt PALB2 protein function with a negative predictive value of 80%. In summary, the available evidence is currently insufficient to determine the role of this variant in disease. Therefore, it has been classified as a Variant of Uncertain Significance.

GeneDx
Classification: Uncertain significance. Last evaluated: 2024-06-18. Review status: criteria provided, single submitter. Criteria: GeneDx Variant Classification Process June 2021. Collection method: clinical testing. Allele origin: germline. Affected: yes.
Comment: Not observed at significant frequency in large population cohorts (gnomAD); In silico analysis indicates that this missense variant does not alter protein structure/function; Has not been previously published as pathogenic or benign to our knowledge; This variant is associated with the following publications: (PMID: 22941656)

Ambry Genetics
Classification: Likely benign for Hereditary cancer-predisposing syndrome. Last evaluated: 2024-03-27. Review status: criteria provided, single submitter. Criteria: Ambry Variant Classification Scheme 2023. Collection method: clinical testing. Allele origin: germline.

Myriad Genetics, Inc.
Classification: Likely benign for Familial cancer of breast. Last evaluated: 2023-08-17. Review status: criteria provided, single submitter. Criteria: Myriad Autosomal Dominant, Autosomal Recessive and X-Linked Classification Criteria (2023). Collection method: clinical testing. Allele origin: unknown.
Comment: This variant is considered likely benign. This variant is strongly associated with less severe personal and family histories of cancer, typical for individuals without pathogenic variants in this gene [PMID: 25085752].

Color Diagnostics, LLC DBA Color Health
Classification: Uncertain significance for Hereditary cancer-predisposing syndrome. Last evaluated: 2022-04-11. Review status: criteria provided, single submitter. Criteria: ACMG Guidelines, 2015. Collection method: clinical testing. Allele origin: germline.
Comment: This missense variant replaces aspartic acid with asparagine at codon 674 of the PALB2 protein. Computational prediction suggests that this variant may not impact protein structure and function (internally defined REVEL score threshold <= 0.5, PMID: 27666373). To our knowledge, functional studies have not been reported for this variant. This variant has not been reported in individuals affected with hereditary cancer in the literature. This variant has been identified in 3/251428 chromosomes in the general population by the Genome Aggregation Database (gnomAD). The available evidence is insufficient to determine the role of this variant in disease conclusively. Therefore, this variant is classified as a Variant of Uncertain Significance.

Fulgent Genetics
Classification: Uncertain significance for Familial cancer of breast; Fanconi anemia complementation group N; Pancreatic cancer, susceptibility to, 3. Last evaluated: 2022-01-18. Review status: criteria provided, single submitter. Criteria: ACMG Guidelines, 2015. Collection method: clinical testing. Allele origin: unknown.

Literature cited by the submitters: PubMed 25085752 (cited by Myriad Genetics, Inc.).